The following is an entry in ClinVar:

NM_001198.4(PRDM1):c.1100C>T (p.Ser367Phe)

Gene: PRDM1 (PR/SET domain 1; plus strand). Cytogenetic location: 6q21.
Variant type: single nucleotide variant.
Coding change: c.1100C>T on transcript NM_001198.4 (MANE Select); coding-DNA position 1100, C replaced by T.
Protein change: p.Ser367Phe; replaces serine 367 with phenylalanine.
Molecular consequence: missense variant.
Genome position (GRCh38, 1-based): chr6:106,105,260, C>T. VCF-style: chr6-106105260-C-T. GRCh37 (hg19) VCF-style: chr6-106553135-C-T.
Other names: c.698C>T, p.Ser233Phe (NM_182907.3); short protein forms S367F, S233F.
Identifiers: ClinVar variation 135081 (VCV000135081.1), dbSNP rs372820369, ClinGen allele CA161628.
Genomic context (GRCh38, chr6:106,105,260, plus strand): 5'-TCAAGAGCTCCAGCCCTCACAGCAGCCCTGGGAATACGGTGTCCCCTGTGGGCCCCGGCT[C>T]TCAAGAGCACCGGGACTCCTACGCTTACTTGAACGCGTCCTACGGCACGGAAGGTTTGGG-3'
Protein context (NP_001189.2, residues 357-377): GNTVSPVGPG[Ser367Phe]QEHRDSYAYL

ClinVar aggregate classification (germline): not provided (0 of 4 stars; one submission).

Allele frequency attached by ClinVar (database versions not stated): ExAC 0.00007; ESP Exome Variant Server 0.00008; gnomAD 0.00020 and 0.00022; TOPMed 0.00026.
gnomAD v4.1: 109 of 1,613,760 alleles (0.0068%); highest among the groups gnomAD compares: East Asian, 0.049%; 1 homozygote.

Submission:

ITMI
No classification provided. Condition: AllHighlyPenetrant. Last evaluated: 2013-09-19. Review status: no classification provided. Collection method: reference population. Allele origin: germline.
Comment: Please see associated publication for description of ethnicities

Literature cited by the submitters: PubMed 24728327.